The following is an entry in ClinVar:

NM_020549.5(CHAT):c.2107TCT[1] (p.Ser705del)

Gene: CHAT (choline O-acetyltransferase; plus strand). Cytogenetic location: 10q11.23.
Variant type: Microsatellite.
Coding change: c.2107TCT[1] on transcript NM_020549.5 (MANE Select); one copy of the 3-base unit TCT starting at c.2107; the reference has two copies in a row; one copy, 3 bases deleted; also written c.2110_2112del.
Protein change: p.Ser705del; deletes serine 705.
Molecular consequence: inframe deletion.
Genome position (GRCh38, 1-based): chr10:49,664,909-49,664,911, TCT deleted; deleting any 3 consecutive bases within chr10:49,664,904-49,664,911 gives the same sequence; the position shown is the placement nearest the transcript's 3' end. VCF-style (leftmost placement, unchanged base first): chr10-49664903-ACTT-A. GRCh37 (hg19) VCF-style: chr10-50872949-ACTT-A.
Other names: c.2110_2112del (NM_020549.5); c.2110_2112delTCT (NM_020549.4); c.1753TCT[1], p.Ser587del (NM_001142929.2, NM_001142934.2, NM_020984.4 and 2 more transcripts); c.1861TCT[1], p.Ser623del (NM_001142933.2); short protein forms S705del, S623del, S587del.
Identifiers: ClinVar variation 648773 (VCV000648773.13), dbSNP rs750942168, ClinGen allele CA5497718.

ClinVar aggregate classification (germline): Conflicting classifications of pathogenicity. Review status: criteria provided, conflicting classifications (1 of 4 stars). 3 submissions from 3 submitters: Likely pathogenic (2); Uncertain significance (1). Last evaluated 2025-06-20.

Conditions:
Familial infantile myasthenia (CMS6). Also called: Congenital myasthenic syndrome type 6; MYASTHENIC SYNDROME, PRESYNAPTIC, CONGENITAL, ASSOCIATED WITH EPISODIC APNEA; MYASTHENIC SYNDROME, CONGENITAL, 6, PRESYNAPTIC. Identifiers: Orphanet 590, MedGen C0393929, MONDO:0009689, OMIM 254210.

Submissions (3):

GeneDx
Classification: Likely pathogenic. Last evaluated: 2025-06-20. Review status: criteria provided, single submitter. Criteria: GeneDx Variant Classification Process June 2021. Collection method: clinical testing. Allele origin: germline.
Comment: Identified in two siblings with clinical findings of congenital myasthenic syndrome who also harbored a second variant on the opposite allele (in trans) in published literature; reported as p.S704del due to use of alternate nomenclature (PMID: 26789281); Not observed at significant frequency in large population cohorts (gnomAD); In-frame deletion of 1 amino acid(s) in a non-repeat region; In silico analysis supports a deleterious effect on protein structure/function; This variant is associated with the following publications: (PMID: 26080897, 26789281)

3billion
Classification: Likely pathogenic for Familial infantile myasthenia. Last evaluated: 2025-03-13. Review status: criteria provided, single submitter. Criteria: ACMG Guidelines, 2015. Collection method: clinical testing. Allele origin: germline. Affected: yes.

Labcorp Genetics (formerly Invitae), Labcorp
Classification: Uncertain significance for Familial infantile myasthenia. Last evaluated: 2024-04-30. Review status: criteria provided, single submitter. Criteria: Invitae Variant Classification Sherloc (09022015). Collection method: clinical testing. Allele origin: germline.
Comment: This variant, c.2110_2112del, results in the deletion of 1 amino acid(s) of the CHAT protein (p.Ser705del), but otherwise preserves the integrity of the reading frame. This variant is present in population databases (rs750942168, gnomAD 0.01%). This variant has been observed in individual(s) with congenital myasthenic syndrome (PMID: 26789281). It has also been observed to segregate with disease in related individuals. This variant is also known as p.Ser704del. ClinVar contains an entry for this variant (Variation ID: 648773). Experimental studies and prediction algorithms are not available or were not evaluated, and the functional significance of this variant is currently unknown. In summary, the available evidence is currently insufficient to determine the role of this variant in disease. Therefore, it has been classified as a Variant of Uncertain Significance.

Literature cited by the submitters: PubMed 26789281 (cited by 3billion and Labcorp Genetics (formerly Invitae), Labcorp).